The following is an entry in ClinVar:

ClinVar aggregate classification (germline): Uncertain significance. Review status: criteria provided, multiple submitters, no conflicts (2 of 4 stars). 2 submissions from 2 submitters: Uncertain significance (2). Last evaluated 2025-03-15.

Conditions:
Hereditary cancer-predisposing syndrome. Also called: Hereditary Cancer Syndrome; Neoplastic Syndromes, Hereditary; Tumor predisposition; Hereditary neoplastic syndrome. Identifiers: Orphanet 140162, MedGen C0027672, MeSH D009386, MONDO:0015356.
Familial adenomatous polyposis 1 (FAP1). Also called: POLYPOSIS, ADENOMATOUS INTESTINAL; FAMILIAL ADENOMATOUS POLYPOSIS 1, ATTENUATED. Identifiers: MedGen C2713442, MONDO:0021056, OMIM 175100. Disease mechanism: loss of function.

Allele frequency attached by ClinVar (database versions not stated): gnomAD exomes below 0.00001; gnomAD 0.00001.
gnomAD v4.1: 2 of 1,613,562 alleles (0.00012%); highest among the groups gnomAD compares: Admixed American, 0.0033%; no homozygotes.

Submissions (2):

Ambry Genetics
Classification: Uncertain significance for Hereditary cancer-predisposing syndrome. Last evaluated: 2025-03-15. Review status: criteria provided, single submitter. Criteria: Ambry Variant Classification Scheme 2023. Collection method: clinical testing. Allele origin: germline.
Comment: The p.T1783A variant (also known as c.5347A>G), located in coding exon 15 of the APC gene, results from an A to G substitution at nucleotide position 5347. The threonine at codon 1783 is replaced by alanine, an amino acid with similar properties. This amino acid position is conserved. In addition, in silico predictors for this gene do not accurately predict pathogenicity. Based on the available evidence, the clinical significance of this variant remains unclear.

Labcorp Genetics (formerly Invitae), Labcorp
Classification: Uncertain significance for Familial adenomatous polyposis 1. Last evaluated: 2023-02-18. Review status: criteria provided, single submitter. Criteria: Invitae Variant Classification Sherloc (09022015). Collection method: clinical testing. Allele origin: germline.
Comment: This variant has not been reported in the literature in individuals affected with APC-related conditions. This variant is present in population databases (no rsID available, gnomAD 0.006%). This sequence change replaces threonine, which is neutral and polar, with alanine, which is neutral and non-polar, at codon 1783 of the APC protein (p.Thr1783Ala). Advanced modeling of protein sequence and biophysical properties (such as structural, functional, and spatial information, amino acid conservation, physicochemical variation, residue mobility, and thermodynamic stability) performed at Invitae indicates that this missense variant is not expected to disrupt APC protein function. In summary, the available evidence is currently insufficient to determine the role of this variant in disease. Therefore, it has been classified as a Variant of Uncertain Significance.

NM_000038.6(APC):c.5347A>G (p.Thr1783Ala)

Gene: APC (APC regulator of Wnt signaling pathway; plus strand). Cytogenetic location: 5q22.2.
Variant type: single nucleotide variant.
Coding change: c.5347A>G on transcript NM_000038.6 (MANE Select); coding-DNA position 5347, A replaced by G.
Protein change: p.Thr1783Ala; replaces threonine 1783 with alanine.
Molecular consequence: missense variant.
Genome position (GRCh38, 1-based): chr5:112,840,941, A>G. VCF-style: chr5-112840941-A-G. GRCh37 (hg19) VCF-style: chr5-112176638-A-G.
Other names: c.5347A>G, p.Thr1783Ala (NM_001127510.3, NM_001354895.2, NM_001407450.1); c.5293A>G, p.Thr1765Ala (NM_001127511.3); c.5401A>G, p.Thr1801Ala (NM_001354896.2, NM_001407447.1, NM_001407448.1 and 1 more transcripts); c.5377A>G, p.Thr1793Ala (NM_001354897.2); c.5272A>G, p.Thr1758Ala (NM_001354898.2); c.5263A>G, p.Thr1755Ala (NM_001354899.2); c.5224A>G, p.Thr1742Ala (NM_001354900.2); c.5170A>G, p.Thr1724Ala (NM_001354901.2, NM_001407453.1); and 12 more; short protein forms T1692A, T1758A, T1793A, T1399A, T1654A, T1783A, T1623A, T1657A.
Identifiers: ClinVar variation 2179850 (VCV002179850.5), dbSNP rs1165603009, ClinGen allele CA16033019.
Genomic context (GRCh38, chr5:112,840,941, plus strand): 5'-AATCAGTTAGATGGTAAGAAAAAGAAACCAACTTCACCAGTAAAACCTATACCACAAAAT[A>G]CTGAATATAGGACACGTGTAAGAAAAAATGCAGACTCAAAAAATAATTTAAATGCTGAGA-3'
Protein context (NP_000029.2, residues 1773-1793): TSPVKPIPQN[Thr1783Ala]EYRTRVRKNA